The following is an entry in ClinVar:

NM_033380.3(COL4A5):c.4088G>C (p.Gly1363Ala)

Gene: COL4A5 (collagen type IV alpha 5 chain; plus strand). Cytogenetic location: Xq22.3.
Variant type: single nucleotide variant.
Coding change: c.4088G>C on transcript NM_033380.3 (MANE Select); coding-DNA position 4088, G replaced by C.
Protein change: p.Gly1363Ala; replaces glycine 1363 with alanine.
Molecular consequence: missense variant.
Genome position (GRCh38, 1-based): chrX:108,681,760, G>C. VCF-style: chrX-108681760-G-C. GRCh37 (hg19) VCF-style: chrX-107924990-G-C.
Other names: c.4070G>C, p.Gly1357Ala (NM_000495.5); short protein forms G1363A, G1357A.
Identifiers: ClinVar variation 1495154 (VCV001495154.8), dbSNP rs2147982015, ClinGen allele CA413851860.

ClinVar aggregate classification (germline): Likely pathogenic (1 of 4 stars; one submission).

Submission:

Labcorp Genetics (formerly Invitae), Labcorp
Classification: Likely pathogenic. Last evaluated: 2021-06-08. Review status: criteria provided, single submitter. Criteria: Invitae Variant Classification Sherloc (09022015). Collection method: clinical testing. Allele origin: germline.
Comment: Algorithms developed to predict the effect of sequence changes on RNA splicing suggest that this variant may disrupt the consensus splice site, but this prediction has not been confirmed by published transcriptional studies. In summary, the currently available evidence indicates that the variant is pathogenic, but additional data are needed to prove that conclusively. Therefore, this variant has been classified as Likely Pathogenic. This variant disrupts the triple helix domain of COL4A5. Glycine residues within the Gly-Xaa-Yaa repeats of the triple helix domain are required for the structure and stability of fibrillar collagens (PMID: 7695699, 8218237, 19344236). In COL4A5, missense variants at these glycine residues are significantly enriched in individuals with disease (PMID: 23720012, 27627812) compared to the general population (ExAC). Algorithms developed to predict the effect of missense changes on protein structure and function (SIFT, PolyPhen-2, Align-GVGD) all suggest that this variant is likely to be disruptive, but these predictions have not been confirmed by published functional studies and their clinical significance is uncertain. This variant has been observed in individual(s) with clinical features of Alport syndrome (Invitae). This variant is not present in population databases (ExAC no frequency). This sequence change replaces glycine with alanine at codon 1357 of the COL4A5 protein (p.Gly1357Ala). The glycine residue is highly conserved and there is a small physicochemical difference between glycine and alanine.

Literature cited by the submitters: PubMed 7695699; PubMed 8218237; PubMed 19344236; PubMed 23720012; PubMed 27627812.